The following is an entry in ClinVar:

NM_007294.4(BRCA1):c.4534_4535del (p.Ser1512fs)

Gene: BRCA1 (BRCA1 DNA repair associated; minus strand). Cytogenetic location: 17q21.31.
Variant type: Deletion.
Coding change: c.4534_4535del on transcript NM_007294.4 (MANE Select); coding-DNA positions 4534 to 4535, 2 bases deleted (AG; older notation c.4534_4535delAG).
Protein change: p.Ser1512fs; shifts the reading frame from serine 1512.
Molecular consequence: frameshift variant. On other transcripts: non-coding transcript variant (1).
Genome position (GRCh38, 1-based): chr17:43,074,471-43,074,472, CT deleted on the plus strand (AG on the coding strand, the reverse complement: BRCA1 is on the minus strand). VCF-style (leftmost placement, unchanged base first): chr17-43074470-ACT-A. GRCh37 (hg19) VCF-style: chr17-41226487-ACT-A.
Other names: c.1102_1103delAG, p.Ser368Leufs (NM_001408426.1, NM_001408427.1, NM_001408428.1 and 4 more transcripts); c.1099_1100delAG, p.Ser367Leufs (NM_001408432.1, NM_001408433.1, NM_001408434.1 and 10 more transcripts); c.1096_1097delAG, p.Ser366Leufs (NM_001408445.1, NM_001408446.1, NM_001408447.1 and 2 more transcripts); c.1090_1091delAG, p.Ser364Leufs (NM_001408451.1); c.1084_1085delAG, p.Ser362Leufs (NM_001408452.1, NM_001408453.1, NM_001408454.1 and 3 more transcripts); c.1081_1082delAG, p.Ser361Leufs (NM_001408458.1, NM_001408459.1, NM_001408460.1 and 7 more transcripts); c.1078_1079delAG, p.Ser360Leufs (NM_001408468.1, NM_001408469.1, NM_001408470.1); c.1222_1223delAG, p.Ser408Leufs (NM_001408472.1, NM_007298.4, NM_007304.2 and 12 more transcripts); and 71 more; short protein forms S1512fs, S1465fs, S1533fs, S408fs.
Identifiers: ClinVar variation 55225 (VCV000055225.2), dbSNP rs397509183, ClinGen allele CA002896.

ClinVar aggregate classification (germline): Pathogenic. Review status: reviewed by expert panel (3 of 4 stars). 2 submissions from 2 submitters: Pathogenic (1). 1 of the submissions does not count toward it. Last evaluated 2017-12-15.

Conditions:
Familial cancer of breast. Also called: hereditary breast carcinoma; BREAST CANCER, FAMILIAL; Hereditary breast cancer. Identifiers: Orphanet 227535, MedGen C0346153, MONDO:0016419, OMIM 114480. Disease mechanism: loss of function.
Breast-ovarian cancer, familial, susceptibility to, 1 (BROVCA1). Also called: BRCA1 Hereditary Breast and Ovarian Cancer; OVARIAN CANCER, SUSCEPTIBILITY TO. Identifiers: Orphanet 145, MedGen C2676676, MONDO:0011450, OMIM 604370. Disease mechanism: loss of function.

Submissions (2):

Evidence-based Network for the Interpretation of Germline Mutant Alleles (ENIGMA)
Classification: Pathogenic for Breast-ovarian cancer, familial, susceptibility to, 1. Last evaluated: 2017-12-15. Review status: reviewed by expert panel. Criteria: ENIGMA BRCA1/2 Classification Criteria (2017-06-29). Collection method: curation. Allele origin: germline. Study: ENIGMA.
Comment: Variant allele predicted to encode a truncated non-functional protein.

ClinVar Staff, National Center for Biotechnology Information (NCBI)
No classification provided. Condition: Familial cancer of breast. Review status: no classification provided. Collection method: literature only. Allele origin: germline. Affected: yes. Not counted in ClinVar's aggregate classification.

Literature cited by the submitters: PubMed 9391879 (cited by ClinVar Staff, National Center for Biotechnology Information (NCBI)).